The following is an entry in ClinVar:

NM_001127255.2(NLRP7):c.955G>A (p.Val319Ile)

Gene: NLRP7 (NLR family pyrin domain containing 7; minus strand). Cytogenetic location: 19q13.42.
Variant type: single nucleotide variant.
Coding change: c.955G>A on transcript NM_001127255.2 (MANE Select); coding-DNA position 955, G replaced by A.
Protein change: p.Val319Ile; replaces valine 319 with isoleucine.
Molecular consequence: missense variant.
Genome position (GRCh38, 1-based): chr19:54,939,864, C>T on the plus strand (G>A on the coding strand, the complement: NLRP7 is on the minus strand). VCF-style: chr19-54939864-C-T. GRCh37 (hg19) VCF-style: chr19-55451232-C-T.
Other names: c.955G>A, p.Val319Ile (NM_001405531.1, NM_139176.4, NM_206828.4); short protein forms V319I.
Identifiers: ClinVar variation 330176 (VCV000330176.11), dbSNP rs775882, ClinGen allele CA310018856.

ClinVar aggregate classification (germline): Benign. Review status: criteria provided, multiple submitters, no conflicts (2 of 4 stars). 4 submissions from 4 submitters: Benign (4). Last evaluated 2024-11-28.

Conditions:
Hydatidiform mole, recurrent, 1 (HYDM1). Identifiers: Orphanet 254688, Orphanet 99927, MedGen C3463897, MONDO:0009273, OMIM 231090. Disease mechanism: loss of function.

Allele frequency attached by ClinVar (database versions not stated): ExAC 0.24098; 1000 Genomes Project 0.28894; gnomAD 0.29169 and 0.29687; ESP Exome Variant Server 0.29540; 1000 Genomes Project 30x 0.29669; TOPMed 0.30641.
gnomAD v4.1: 373,661 of 1,613,596 alleles (23%); highest among the groups gnomAD compares: African/African-American, 47%; 46,145 homozygotes.

Submissions (4):

Blueprint Genetics
Classification: Benign. Last evaluated: 2024-11-28. Review status: criteria provided, single submitter. Criteria: ACMG Guidelines, 2015. Collection method: clinical testing. Allele origin: germline.

Illumina Laboratory Services, Illumina
Classification: Benign for Hydatidiform mole, recurrent, 1. Last evaluated: 2018-01-12. Review status: criteria provided, single submitter. Criteria: ICSL Variant Classification Criteria 13 December 2019. Collection method: clinical testing. Allele origin: germline.
Comment: This variant was observed in the ICSL laboratory as part of a predisposition screen in an ostensibly healthy population. It had not been previously curated by ICSL or reported in the Human Gene Mutation Database (HGMD: prior to June 1st, 2018), and was therefore a candidate for classification through an automated scoring system. Utilizing variant allele frequency, disease prevalence and penetrance estimates, and inheritance mode, an automated score was calculated to assess if this variant is too frequent to cause the disease. Based on the score and internal cut-off values, a variant classified as benign is not then subjected to further curation. The score for this variant resulted in a classification of benign for this disease.

Laboratory for Molecular Medicine, Mass General Brigham Personalized Medicine
Classification: Benign. Last evaluated: 2016-03-28. Review status: criteria provided, single submitter. Criteria: LMM Criteria. Collection method: clinical testing. Allele origin: germline.
Comment: Variant identified in a genome or exome case(s) and assessed due to predicted null impact of the variant or pathogenic assertions in the literature or databases. Disclaimer: This variant has not undergone full assessment. The following are preliminary notes: Frequency

Breakthrough Genomics
Classification: Benign. Review status: criteria provided, single submitter. Criteria: ACMG Guidelines, 2015. Collection method: not provided. Allele origin: germline. Inheritance: Autosomal recessive inheritance. Affected: yes.